The following is an entry in ClinVar:

ClinVar aggregate classification (germline): Uncertain significance (1 of 4 stars; one submission).

Allele frequency attached by ClinVar (database versions not stated): gnomAD exomes below 0.00001; ExAC 0.00001; gnomAD 0.00001.
gnomAD v4.1: 7 of 1,610,428 alleles (0.00043%); highest among the groups gnomAD compares: African/African-American, 0.0013%; no homozygotes.

Submission:

Labcorp Genetics (formerly Invitae), Labcorp
Classification: Uncertain significance. Last evaluated: 2024-08-05. Review status: criteria provided, single submitter. Criteria: Invitae Variant Classification Sherloc (09022015). Collection method: clinical testing. Allele origin: germline.
Comment: This sequence change replaces proline, which is neutral and non-polar, with leucine, which is neutral and non-polar, at codon 6232 of the ADGRV1 protein (p.Pro6232Leu). This variant is present in population databases (rs756005484, gnomAD 0.003%). This variant has not been reported in the literature in individuals affected with ADGRV1-related conditions. ClinVar contains an entry for this variant (Variation ID: 2127033). An algorithm developed to predict the effect of missense changes on protein structure and function (PolyPhen-2) suggests that this variant is likely to be disruptive. In summary, the available evidence is currently insufficient to determine the role of this variant in disease. Therefore, it has been classified as a Variant of Uncertain Significance.

NM_032119.4(ADGRV1):c.18695C>T (p.Pro6232Leu)

Gene: ADGRV1 (adhesion G protein-coupled receptor V1; plus strand). Cytogenetic location: 5q14.3.
Variant type: single nucleotide variant.
Coding change: c.18695C>T on transcript NM_032119.4 (MANE Select); coding-DNA position 18695, C replaced by T.
Protein change: p.Pro6232Leu; replaces proline 6232 with leucine.
Molecular consequence: missense variant. On other transcripts: non-coding transcript variant (1).
Genome position (GRCh38, 1-based): chr5:91,153,291, C>T. VCF-style: chr5-91153291-C-T. GRCh37 (hg19) VCF-style: chr5-90449108-C-T.
Other names: short protein forms P6232L.
Identifiers: ClinVar variation 2127033 (VCV002127033.4), dbSNP rs756005484, ClinGen allele CA3342724.